The following is an entry in ClinVar:

ClinVar aggregate classification (germline): Uncertain significance (1 of 4 stars; one submission).

Conditions:
Hereditary cancer-predisposing syndrome. Also called: Neoplastic Syndromes, Hereditary; Tumor predisposition; Hereditary neoplastic syndrome; Hereditary Cancer Syndrome. Identifiers: Orphanet 140162, MedGen C0027672, MeSH D009386, MONDO:0015356.

Submission:

Ambry Genetics
Classification: Uncertain significance for Hereditary cancer-predisposing syndrome. Last evaluated: 2024-05-31. Review status: criteria provided, single submitter. Criteria: Ambry Variant Classification Scheme 2023. Collection method: clinical testing. Allele origin: germline.
Comment: The p.M210T variant (also known as c.629T>C), located in coding exon 3 of the SMARCA4 gene, results from a T to C substitution at nucleotide position 629. The methionine at codon 210 is replaced by threonine, an amino acid with similar properties. This amino acid position is conserved. In addition, the in silico prediction for this alteration is inconclusive. Based on the available evidence, the clinical significance of this variant remains unclear.

NM_003072.5(SMARCA4):c.629T>C (p.Met210Thr)

Gene: SMARCA4 (SWI/SNF related BAF chromatin remodeling complex subunit ATPase 4; plus strand). Cytogenetic location: 19p13.2.
Variant type: single nucleotide variant.
Coding change: c.629T>C on transcript NM_003072.5 (MANE Select); coding-DNA position 629, T replaced by C.
Protein change: p.Met210Thr; replaces methionine 210 with threonine.
Molecular consequence: missense variant. On other transcripts: non-coding transcript variant (1).
Genome position (GRCh38, 1-based): chr19:10,986,462, T>C. VCF-style: chr19-10986462-T-C. GRCh37 (hg19) VCF-style: chr19-11097138-T-C.
Other names: c.629T>C, p.Met210Thr (NM_001128844.3, NM_001128845.2, NM_001128846.2 and 6 more transcripts); short protein forms M210T.
Identifiers: ClinVar variation 3320761 (VCV003320761.1).